The following is an entry in ClinVar:

ClinVar aggregate classification (germline): Uncertain significance (1 of 4 stars; one submission).

Submission:

Labcorp Genetics (formerly Invitae), Labcorp
Classification: Uncertain significance. Last evaluated: 2024-10-17. Review status: criteria provided, single submitter. Criteria: Invitae Variant Classification Sherloc (09022015). Collection method: clinical testing. Allele origin: germline.
Comment: This sequence change falls in intron 16 of the PHEX gene. It does not directly change the encoded amino acid sequence of the PHEX protein. It affects a nucleotide within the consensus splice site. This variant is not present in population databases (gnomAD no frequency). This variant has not been reported in the literature in individuals affected with PHEX-related conditions. Variants that disrupt the consensus splice site are a relatively common cause of aberrant splicing (PMID: 17576681, 9536098). Algorithms developed to predict the effect of sequence changes on RNA splicing suggest that this variant may disrupt the consensus splice site. This variant disrupts the c.1700+5 nucleotide in the PHEX gene. Other variant(s) that disrupt this nucleotide have been determined to be pathogenic (PMID: 30682568; internal data). This suggests that this nucleotide is clinically significant, and that variants that disrupt this position are likely to be disease-causing. In summary, the available evidence is currently insufficient to determine the role of this variant in disease. Therefore, it has been classified as a Variant of Uncertain Significance.

Literature cited by the submitters: PubMed 17576681; PubMed 9536098; PubMed 30682568.

NM_000444.6(PHEX):c.1700+5G>T

Genes: PHEX (phosphate regulating endopeptidase X-linked; plus strand), PTCHD1-AS (PTCHD1 and PHEX antisense RNA; minus strand). Cytogenetic location: Xp22.11.
Variant type: single nucleotide variant.
Coding change: c.1700+5G>T on transcript NM_000444.6 (MANE Select); 5 bases into the intron after coding-DNA position 1700, G replaced by T.
Molecular consequence: intron variant.
Genome position (GRCh38, 1-based): chrX:22,212,963, G>T. VCF-style: chrX-22212963-G-T. GRCh37 (hg19) VCF-style: chrX-22231080-G-T.
Other names: c.1700+5G>T (NM_001282754.2).
Identifiers: ClinVar variation 3723182 (VCV003723182.2).